The following is an entry in ClinVar:

ClinVar aggregate classification (germline): Uncertain significance (1 of 4 stars; one submission).

gnomAD v4.1: 13 of 1,613,930 alleles (0.00081%); highest among the groups gnomAD compares: Non-Finnish European, 0.0011%; no homozygotes.

Submission:

Labcorp Genetics (formerly Invitae), Labcorp
Classification: Uncertain significance. Last evaluated: 2024-02-26. Review status: criteria provided, single submitter. Criteria: Invitae Variant Classification Sherloc (09022015). Collection method: clinical testing. Allele origin: germline.
Comment: This sequence change replaces proline, which is neutral and non-polar, with alanine, which is neutral and non-polar, at codon 722 of the SETD5 protein (p.Pro722Ala). This variant is present in population databases (rs766280862, gnomAD 0.003%). This variant has not been reported in the literature in individuals affected with SETD5-related conditions. Advanced modeling of protein sequence and biophysical properties (such as structural, functional, and spatial information, amino acid conservation, physicochemical variation, residue mobility, and thermodynamic stability) performed at Invitae indicates that this missense variant is expected to disrupt SETD5 protein function with a positive predictive value of 80%. In summary, the available evidence is currently insufficient to determine the role of this variant in disease. Therefore, it has been classified as a Variant of Uncertain Significance.

NM_001080517.3(SETD5):c.2164C>G (p.Pro722Ala)

Gene: SETD5 (SET domain containing 5; plus strand). Cytogenetic location: 3p25.3.
Variant type: single nucleotide variant.
Coding change: c.2164C>G on transcript NM_001080517.3 (MANE Select); coding-DNA position 2164, C replaced by G.
Protein change: p.Pro722Ala; replaces proline 722 with alanine.
Molecular consequence: missense variant.
Genome position (GRCh38, 1-based): chr3:9,448,448, C>G. VCF-style: chr3-9448448-C-G. GRCh37 (hg19) VCF-style: chr3-9490132-C-G.
Other names: c.1870C>G, p.Pro624Ala (NM_001292043.2, NM_001349451.2); short protein forms P624A, P722A.
Identifiers: ClinVar variation 3627891 (VCV003627891.2).